The following is an entry in ClinVar:

NM_012062.5(DNM1L):c.1271T>C (p.Leu424Pro)

Gene: DNM1L (dynamin 1 like; plus strand). Cytogenetic location: 12p11.21.
Variant type: single nucleotide variant.
Coding change: c.1271T>C on transcript NM_012062.5 (MANE Select); coding-DNA position 1271, T replaced by C.
Protein change: p.Leu424Pro; replaces leucine 424 with proline.
Molecular consequence: missense variant.
Genome position (GRCh38, 1-based): chr12:32,731,426, T>C. VCF-style: chr12-32731426-T-C. GRCh37 (hg19) VCF-style: chr12-32884360-T-C.
Other names: c.1271T>C, p.Leu424Pro (NM_001278463.2, NM_005690.5, NM_012063.4); c.1310T>C, p.Leu437Pro (NM_001278464.2, NM_001278465.2, NM_001330380.2); c.662T>C, p.Leu221Pro (NM_001278466.2); short protein forms L424P, L221P, L437P.
Identifiers: ClinVar variation 2815598 (VCV002815598.3), dbSNP rs2541080836, ClinGen allele CA384358550.

ClinVar aggregate classification (germline): Uncertain significance (1 of 4 stars; one submission).

Submission:

Labcorp Genetics (formerly Invitae), Labcorp
Classification: Uncertain significance. Last evaluated: 2022-12-10. Review status: criteria provided, single submitter. Criteria: Invitae Variant Classification Sherloc (09022015). Collection method: clinical testing. Allele origin: germline.
Comment: This variant is not present in population databases (gnomAD no frequency). In summary, the available evidence is currently insufficient to determine the role of this variant in disease. Therefore, it has been classified as a Variant of Uncertain Significance. Algorithms developed to predict the effect of missense changes on protein structure and function (SIFT, PolyPhen-2, Align-GVGD) all suggest that this variant is likely to be disruptive. This variant has not been reported in the literature in individuals affected with DNM1L-related conditions. This sequence change replaces leucine, which is neutral and non-polar, with proline, which is neutral and non-polar, at codon 424 of the DNM1L protein (p.Leu424Pro).